The following is an entry in ClinVar:

NM_000276.4(OCRL):c.172A>G (p.Ile58Val)

Gene: OCRL (OCRL inositol polyphosphate-5-phosphatase; plus strand). Cytogenetic location: Xq26.1.
Variant type: single nucleotide variant.
Coding change: c.172A>G on transcript NM_000276.4 (MANE Select); coding-DNA position 172, A replaced by G.
Protein change: p.Ile58Val; replaces isoleucine 58 with valine.
Molecular consequence: missense variant.
Genome position (GRCh38, 1-based): chrX:129,545,010, A>G. VCF-style: chrX-129545010-A-G. GRCh37 (hg19) VCF-style: chrX-128678987-A-G.
Other names: c.175A>G, p.Ile59Val (NM_001318784.2); c.172A>G, p.Ile58Val (NM_001587.4); short protein forms I58V, I59V.
Identifiers: ClinVar variation 3598008 (VCV003598008.2).

ClinVar aggregate classification (germline): Conflicting classifications of pathogenicity. Review status: criteria provided, conflicting classifications (1 of 4 stars). 2 submissions from 2 submitters: Uncertain significance (1); Likely benign (1). Last evaluated 2025-01-22.

Conditions:
Lowe syndrome (OCRL). Also called: LOWE OCULOCEREBRORENAL SYNDROME; PHOSPHATIDYLINOSITOL 4,5-BISPHOSPHATE 5-PHOSPHATASE DEFICIENCY; Oculocerebrorenal Syndrome. Identifiers: Orphanet 534, MedGen C0028860, MONDO:0010645, OMIM 309000.
Dent disease type 2. Identifiers: Orphanet 1652, Orphanet 93623, MedGen C1845167, MONDO:0010359, OMIM 300555.

gnomAD v4.1: 22 of 1,126,264 alleles (0.002%); highest among the groups gnomAD compares: Admixed American, 0.015%; no homozygotes.

Submissions (2):

Labcorp Genetics (formerly Invitae), Labcorp
Classification: Uncertain significance for Lowe syndrome. Last evaluated: 2025-01-22. Review status: criteria provided, single submitter. Criteria: Invitae Variant Classification Sherloc (09022015). Collection method: clinical testing. Allele origin: germline.
Comment: This sequence change replaces isoleucine, which is neutral and non-polar, with valine, which is neutral and non-polar, at codon 58 of the OCRL protein (p.Ile58Val). This variant is present in population databases (rs777695514, gnomAD 0.02%). This variant has not been reported in the literature in individuals affected with OCRL-related conditions. Invitae Evidence Modeling of protein sequence and biophysical properties (such as structural, functional, and spatial information, amino acid conservation, physicochemical variation, residue mobility, and thermodynamic stability) has been performed for this missense variant. However, the output from this modeling did not meet the statistical confidence thresholds required to predict the impact of this variant on OCRL protein function. In summary, the available evidence is currently insufficient to determine the role of this variant in disease. Therefore, it has been classified as a Variant of Uncertain Significance.

Fulgent Genetics
Classification: Likely benign for Dent disease type 2; Lowe syndrome. Last evaluated: 2024-05-07. Review status: criteria provided, single submitter. Criteria: ACMG Guidelines, 2015. Collection method: clinical testing. Allele origin: germline.